The following is an entry in ClinVar:

ClinVar aggregate classification (germline): Uncertain significance. Review status: criteria provided, multiple submitters, no conflicts (2 of 4 stars). 2 submissions from 2 submitters: Uncertain significance (2). Last evaluated 2024-11-19.

Conditions:
Familial sleep-related hypermotor epilepsy. Also called: Autosomal Dominant Sleep-Related Hypermotor (Hyperkinetic) Epilepsy. Identifiers: Orphanet 98784, MedGen C3696898, MONDO:0000030.

Allele frequency attached by ClinVar (database versions not stated): gnomAD exomes 0.00001; ExAC 0.00002; TOPMed below 0.00001; gnomAD 0.00001.
gnomAD v4.1: 11 of 1,612,620 alleles (0.00068%); highest among the groups gnomAD compares: South Asian, 0.0044%; no homozygotes.

Submissions (2):

Labcorp Genetics (formerly Invitae), Labcorp
Classification: Uncertain significance. Last evaluated: 2024-11-19. Review status: criteria provided, single submitter. Criteria: Invitae Variant Classification Sherloc (09022015). Collection method: clinical testing. Allele origin: germline.
Comment: This sequence change replaces serine, which is neutral and polar, with leucine, which is neutral and non-polar, at codon 59 of the CHRNA4 protein (p.Ser59Leu). This variant is present in population databases (rs775143571, gnomAD 0.006%). This variant has not been reported in the literature in individuals affected with CHRNA4-related conditions. ClinVar contains an entry for this variant (Variation ID: 577643). Invitae Evidence Modeling of protein sequence and biophysical properties (such as structural, functional, and spatial information, amino acid conservation, physicochemical variation, residue mobility, and thermodynamic stability) indicates that this missense variant is expected to disrupt CHRNA4 protein function with a positive predictive value of 80%. In summary, the available evidence is currently insufficient to determine the role of this variant in disease. Therefore, it has been classified as a Variant of Uncertain Significance.

CeGaT Center for Human Genetics Tuebingen
Classification: Uncertain significance. Last evaluated: 2022-12-01. Review status: criteria provided, single submitter. Criteria: CeGaT Center For Human Genetics Tuebingen Variant Classification Criteria Version 2. Collection method: clinical testing. Allele origin: germline. Affected: yes. Observed: 1 variant allele.
Comment: CHRNA4: PM2

NM_000744.7(CHRNA4):c.176C>T (p.Ser59Leu)

Gene: CHRNA4 (cholinergic receptor nicotinic alpha 4 subunit; minus strand). Cytogenetic location: 20q13.33.
Variant type: single nucleotide variant.
Coding change: c.176C>T on transcript NM_000744.7 (MANE Select); coding-DNA position 176, C replaced by T.
Protein change: p.Ser59Leu; replaces serine 59 with leucine.
Molecular consequence: missense variant. On other transcripts: 5 prime UTR variant (1), non-coding transcript variant (1).
Genome position (GRCh38, 1-based): chr20:63,359,600, G>A on the plus strand (C>T on the coding strand, the complement: CHRNA4 is on the minus strand). VCF-style: chr20-63359600-G-A. GRCh37 (hg19) VCF-style: chr20-61990952-G-A.
Other names: c.-371C>T (NM_001256573.2); short protein forms S59L.
Identifiers: ClinVar variation 577643 (VCV000577643.36), dbSNP rs775143571, ClinGen allele CA9957957.